The following is an entry in ClinVar:

NM_001355436.2(SPTB):c.4759_4760dup (p.Gln1587fs)

Gene: SPTB (spectrin beta, erythrocytic; minus strand). Cytogenetic location: 14q23.3.
Variant type: Microsatellite.
Coding change: c.4759_4760dup on transcript NM_001355436.2 (MANE Select); coding-DNA positions 4759 to 4760, 2 bases duplicated (CA; older notation c.4759_4760dupCA).
Protein change: p.Gln1587fs; shifts the reading frame from glutamine 1587.
Molecular consequence: frameshift variant.
Genome position (GRCh38, 1-based): chr14:64,775,207-64,775,208, TG duplicated on the plus strand (CA on the coding strand, the reverse complement: SPTB is on the minus strand); duplicating any 2 consecutive bases within chr14:64,775,207-64,775,210 gives the same sequence; the c. name uses the placement nearest the transcript's 3' end. VCF-style (leftmost placement, unchanged base first): chr14-64775206-C-CTG. GRCh37 (hg19) VCF-style: chr14-65241924-C-CTG.
Other names: c.4759_4760dup, p.Gln1587fs (NM_001024858.4, NM_001355437.2); c.4759_4760dupCA (NM_001024858.2); short protein forms Q1587fs.
Identifiers: ClinVar variation 4736575 (VCV004736575.2).

ClinVar aggregate classification (germline): Pathogenic/Likely pathogenic. Review status: criteria provided, multiple submitters, no conflicts (2 of 4 stars). 2 submissions from 2 submitters: Pathogenic (1); Likely pathogenic (1). Last evaluated 2026-02-02.

Conditions:
SPTB-related disorder. Also called: SPTB-Related Disorders; SPTB-related condition.

Submissions (2):

Labcorp Genetics (formerly Invitae), Labcorp
Classification: Pathogenic. Last evaluated: 2026-02-02. Review status: criteria provided, single submitter. Criteria: Invitae Variant Classification Sherloc (09022015). Collection method: clinical testing. Allele origin: germline.
Comment: This sequence change creates a premature translational stop signal (p.Gln1587Hisfs*36) in the SPTB gene. It is expected to result in an absent or disrupted protein product. Loss-of-function variants in SPTB are known to be pathogenic (PMID: 1391962, 1498324, 8844207, 26830532, 27292444). This variant is not present in population databases (gnomAD no frequency). This variant has not been reported in the literature in individuals affected with SPTB-related conditions. For these reasons, this variant has been classified as Pathogenic.

PreventionGenetics, part of Exact Sciences
Classification: Likely pathogenic for SPTB-related condition. Last evaluated: 2025-10-14. Review status: criteria provided, single submitter. Criteria: ACMG Guidelines, 2015. Collection method: clinical testing. Allele origin: germline.
Comment: The SPTB c.4759_4760dupCA variant is predicted to result in a frameshift and premature protein termination (p.Gln1587Hisfs*36). To our knowledge, this variant has not been reported in the literature or in a large population database (gnomAD), indicating this variant is rare. Frameshift variants in SPTB are expected to be pathogenic. This variant is interpreted as likely pathogenic.

Literature cited by the submitters: PubMed 1391962 (cited by Labcorp Genetics (formerly Invitae), Labcorp); PubMed 1498324 (cited by Labcorp Genetics (formerly Invitae), Labcorp); PubMed 8844207 (cited by Labcorp Genetics (formerly Invitae), Labcorp); PubMed 26830532 (cited by Labcorp Genetics (formerly Invitae), Labcorp); PubMed 27292444 (cited by Labcorp Genetics (formerly Invitae), Labcorp).